The following is an entry in ClinVar:

NM_001371623.1(TCOF1):c.3157A>C (p.Lys1053Gln)

Gene: TCOF1 (treacle ribosome biogenesis factor 1; plus strand). Cytogenetic location: 5q32.
Variant type: single nucleotide variant.
Coding change: c.3157A>C on transcript NM_001371623.1 (MANE Select); coding-DNA position 3157, A replaced by C.
Protein change: p.Lys1053Gln; replaces lysine 1053 with glutamine.
Molecular consequence: missense variant.
Genome position (GRCh38, 1-based): chr5:150,389,997, A>C. VCF-style: chr5-150389997-A-C. GRCh37 (hg19) VCF-style: chr5-149769560-A-C.
Other names: c.2926A>C, p.Lys976Gln (NM_000356.4, NM_001135245.2); c.3157A>C, p.Lys1053Gln (NM_001135243.2, NM_001135244.2, NM_001195141.2); short protein forms K1053Q, K976Q.
Identifiers: ClinVar variation 1707375 (VCV001707375.2), dbSNP rs2534213872, ClinGen allele CA361733394.

ClinVar aggregate classification (germline): Uncertain significance (1 of 4 stars; one submission).

Submission:

GeneDx
Classification: Uncertain significance. Last evaluated: 2022-03-25. Review status: criteria provided, single submitter. Criteria: GeneDx Variant Classification Process June 2021. Collection method: clinical testing. Allele origin: germline. Affected: yes.
Comment: Not observed at significant frequency in large population cohorts (gnomAD); In silico analysis supports that this missense variant has a deleterious effect on protein structure/function; Has not been previously published as pathogenic or benign to our knowledge